The following is an entry in ClinVar:

NM_001122769.3(LCA5):c.1856C>T (p.Ser619Phe)

Gene: LCA5 (lebercilin LCA5; minus strand). Cytogenetic location: 6q14.1.
Variant type: single nucleotide variant.
Coding change: c.1856C>T on transcript NM_001122769.3 (MANE Select); coding-DNA position 1856, C replaced by T.
Protein change: p.Ser619Phe; replaces serine 619 with phenylalanine.
Molecular consequence: missense variant.
Genome position (GRCh38, 1-based): chr6:79,487,242, G>A on the plus strand (C>T on the coding strand, the complement: LCA5 is on the minus strand). VCF-style: chr6-79487242-G-A. GRCh37 (hg19) VCF-style: chr6-80196959-G-A.
Other names: c.1856C>T, p.Ser619Phe (NM_181714.4); short protein forms S619F.
Identifiers: ClinVar variation 1399794 (VCV001399794.4), dbSNP rs1360585621, ClinGen allele CA364637802.

ClinVar aggregate classification (germline): Uncertain significance (1 of 4 stars; one submission).

Allele frequency attached by ClinVar (database versions not stated): gnomAD exomes below 0.00001.
gnomAD v4.1: 1 of 1,614,000 alleles (0.000062%); highest among the groups gnomAD compares: Admixed American, 0.0017%; no homozygotes.

Submission:

Labcorp Genetics (formerly Invitae), Labcorp
Classification: Uncertain significance. Last evaluated: 2025-03-17. Review status: criteria provided, single submitter. Criteria: Invitae Variant Classification Sherloc (09022015). Collection method: clinical testing. Allele origin: germline.
Comment: This sequence change replaces serine, which is neutral and polar, with phenylalanine, which is neutral and non-polar, at codon 619 of the LCA5 protein (p.Ser619Phe). This variant is present in population databases (no rsID available, gnomAD 0.003%). This variant has not been reported in the literature in individuals affected with LCA5-related conditions. ClinVar contains an entry for this variant (Variation ID: 1399794). Invitae Evidence Modeling of protein sequence and biophysical properties (such as structural, functional, and spatial information, amino acid conservation, physicochemical variation, residue mobility, and thermodynamic stability) indicates that this missense variant is not expected to disrupt LCA5 protein function with a negative predictive value of 80%. In summary, the available evidence is currently insufficient to determine the role of this variant in disease. Therefore, it has been classified as a Variant of Uncertain Significance.